The following is an entry in ClinVar:

ClinVar aggregate classification (germline): Uncertain significance. Review status: criteria provided, multiple submitters, no conflicts (2 of 4 stars). 2 submissions from 2 submitters: Uncertain significance (2). Last evaluated 2025-11-30.

Conditions:
AHI1-related disorder. Also called: AHI1-related condition.
Joubert syndrome. Also called: Familial aplasia of the vermis; JOUBERT-BOLTSHAUSER SYNDROME. Identifiers: Orphanet 475, MedGen C5979921, MONDO:0018772.

Allele frequency attached by ClinVar (database versions not stated): TOPMed below 0.00001; ExAC 0.00001.
gnomAD v4.1: 2 of 1,613,890 alleles (0.00012%); highest among the groups gnomAD compares: Admixed American, 0.0017%; no homozygotes.

Submissions (2):

PreventionGenetics, part of Exact Sciences
Classification: Uncertain significance for AHI1-related condition. Last evaluated: 2025-11-30. Review status: criteria provided, single submitter. Criteria: ACMG Guidelines, 2015. Collection method: clinical testing. Allele origin: germline.
Comment: The AHI1 c.314A>G variant is predicted to result in the amino acid substitution p.Gln105Arg. To our knowledge, this variant has not been reported in the literature. This variant is reported in 0.00089% of alleles in individuals of European (Non-Finnish) descent in gnomAD. At this time, the clinical significance of this variant is uncertain due to the absence of conclusive functional and genetic evidence.

Labcorp Genetics (formerly Invitae), Labcorp
Classification: Uncertain significance for Joubert syndrome. Last evaluated: 2025-10-02. Review status: criteria provided, single submitter. Criteria: Invitae Variant Classification Sherloc (09022015). Collection method: clinical testing. Allele origin: germline.
Comment: This sequence change replaces glutamine, which is neutral and polar, with arginine, which is basic and polar, at codon 105 of the AHI1 protein (p.Gln105Arg). This variant is present in population databases (rs771455350, gnomAD 0.0009%). This variant has not been reported in the literature in individuals affected with AHI1-related conditions. ClinVar contains an entry for this variant (Variation ID: 2963005). Invitae Evidence Modeling of protein sequence and biophysical properties (such as structural, functional, and spatial information, amino acid conservation, physicochemical variation, residue mobility, and thermodynamic stability) indicates that this missense variant is not expected to disrupt AHI1 protein function with a negative predictive value of 95%. In summary, the available evidence is currently insufficient to determine the role of this variant in disease. Therefore, it has been classified as a Variant of Uncertain Significance.

NM_001134831.2(AHI1):c.314A>G (p.Gln105Arg)

Gene: AHI1 (Abelson helper integration site 1; minus strand). Cytogenetic location: 6q23.3.
Variant type: single nucleotide variant.
Coding change: c.314A>G on transcript NM_001134831.2 (MANE Select); coding-DNA position 314, A replaced by G.
Protein change: p.Gln105Arg; replaces glutamine 105 with arginine.
Molecular consequence: missense variant.
Genome position (GRCh38, 1-based): chr6:135,466,249, T>C on the plus strand (A>G on the coding strand, the complement: AHI1 is on the minus strand). VCF-style: chr6-135466249-T-C. GRCh37 (hg19) VCF-style: chr6-135787387-T-C.
Other names: c.314A>G, p.Gln105Arg (NM_001134830.2, NM_001134832.2, NM_001350503.2 and 2 more transcripts); c.314A>G (NM_017651.4); short protein forms Q105R.
Identifiers: ClinVar variation 2963005 (VCV002963005.4), dbSNP rs771455350, ClinGen allele CA4012851.